The following is an entry in ClinVar:

NC_000006.12:g.31665450G>A

Genes: CSNK2B (casein kinase 2 beta; plus strand), GPANK1 (G-patch domain and ankyrin repeats 1; minus strand). Cytogenetic location: 6p21.33.
Variant type: single nucleotide variant.
Molecular consequence: intron variant (on NM_001199237.1).
Genome position: GRCh38 VCF-style: chr6-31665450-G-A. GRCh37 (hg19) VCF-style: chr6-31633227-G-A.
Other names: c.-263+411C>T (NM_001199237.1); c.-263+124C>T (NM_001199239.1); c.-266+124C>T (NM_001199238.1); c.-266+109C>T (NM_001199240.1).
Identifiers: ClinVar variation 5038978 (VCV005038978.1).
Genomic context (GRCh38, chr6:31,665,450, plus strand): 5'-TGCCCCTCACCATTACTCTGACCAGGGTTCGAAGGTCACACTTAGAGCCTAAGGGGAAAT[G>A]GAGAAGTGCAAAGGGACGAGCAGAATGGCTGGCACCACCTCAGGTTAGCGCACTGGGACG-3'

ClinVar aggregate classification (germline): Benign (1 of 4 stars; one submission).

gnomAD v4.1: 796 of 1,568,384 alleles (0.051%); highest among the groups gnomAD compares: South Asian, 0.87%; 20 homozygotes.

Submission:

CeGaT Center for Human Genetics Tuebingen
Classification: Benign. Last evaluated: 2026-08-01. Review status: criteria provided, single submitter. Criteria: CeGaT Center For Human Genetics Tuebingen Variant Classification Criteria Version 2. Collection method: clinical testing. Allele origin: germline. Affected: yes. Observed: 1 variant allele.
Comment: CSNK2B: BS1, BS2